The following is an entry in ClinVar:

ClinVar aggregate classification (germline): Uncertain significance (1 of 4 stars; one submission).

Submission:

Labcorp Genetics (formerly Invitae), Labcorp
Classification: Uncertain significance. Last evaluated: 2025-10-03. Review status: criteria provided, single submitter. Criteria: Invitae Variant Classification Sherloc (09022015). Collection method: clinical testing. Allele origin: germline.
Comment: This variant, c.1442_1444del, results in the deletion of 1 amino acid(s) of the TCF20 protein (p.Pro481del), but otherwise preserves the integrity of the reading frame. This variant is present in population databases (rs769618700, gnomAD 0.003%). This variant has not been reported in the literature in individuals affected with TCF20-related conditions. Experimental studies and prediction algorithms are not available or were not evaluated, and the functional significance of this variant is currently unknown. In summary, the available evidence is currently insufficient to determine the role of this variant in disease. Therefore, it has been classified as a Variant of Uncertain Significance.

NM_001378418.1(TCF20):c.1439CTC[1] (p.Pro481del)

Gene: TCF20 (transcription factor 20; minus strand). Cytogenetic location: 22q13.2.
Variant type: Microsatellite.
Coding change: c.1439CTC[1] on transcript NM_001378418.1 (MANE Select); one copy of the 3-base unit CTC starting at c.1439; the reference has two copies in a row; one copy, 3 bases deleted.
Protein change: p.Pro481del; deletes proline 481.
Molecular consequence: inframe deletion.
Genome position (GRCh38, 1-based): chr22:42,213,862-42,213,864, GAG deleted on the plus strand (CTC on the coding strand, the reverse complement: TCF20 is on the minus strand); deleting any 3 consecutive bases within chr22:42,213,862-42,213,867 gives the same sequence; the position shown is the placement nearest the transcript's 3' end. VCF-style (leftmost placement, unchanged base first): chr22-42213861-TGAG-T. GRCh37 (hg19) VCF-style: chr22-42609867-TGAG-T.
Other names: c.1439CTC[1], p.Pro481del (NM_005650.4, NM_181492.3); short protein forms P481del.
Identifiers: ClinVar variation 4697317 (VCV004697317.1).
Genomic context (GRCh38, chr22:42,213,861, plus strand): 5'-TCAGAATTTGTGCAGCTATCTGCTTTCTTGGAAGATGAGGGCCTCTTGGAGGTCTTCTTC[TGAG>T]GAGTCAGGGCATCAGAAAGTAACATGTGCTGGACAGTGTTAGGAAGATTGGCCACTTGAG-3'